The following is an entry in ClinVar:

ClinVar aggregate classification (germline): Uncertain significance (1 of 4 stars; one submission).

Allele frequency attached by ClinVar (database versions not stated): TOPMed 0.00001; gnomAD 0.00003.
gnomAD v4.1: 66 of 1,548,282 alleles (0.0043%); highest among the groups gnomAD compares: South Asian, 0.048%; no homozygotes.

Submission:

Labcorp Genetics (formerly Invitae), Labcorp
Classification: Uncertain significance. Last evaluated: 2024-03-06. Review status: criteria provided, single submitter. Criteria: Invitae Variant Classification Sherloc (09022015). Collection method: clinical testing. Allele origin: germline.
Comment: This sequence change replaces arginine, which is basic and polar, with cysteine, which is neutral and slightly polar, at codon 2715 of the OTOG protein (p.Arg2715Cys). This variant is present in population databases (rs756536271, gnomAD 0.02%). This variant has not been reported in the literature in individuals affected with OTOG-related conditions. ClinVar contains an entry for this variant (Variation ID: 2171540). An algorithm developed to predict the effect of missense changes on protein structure and function (PolyPhen-2) suggests that this variant is likely to be disruptive. In summary, the available evidence is currently insufficient to determine the role of this variant in disease. Therefore, it has been classified as a Variant of Uncertain Significance.

NM_001292063.2(OTOG):c.8107C>T (p.Arg2703Cys)

Gene: OTOG (otogelin; plus strand). Cytogenetic location: 11p15.1.
Variant type: single nucleotide variant.
Coding change: c.8107C>T on transcript NM_001292063.2 (MANE Select); coding-DNA position 8107, C replaced by T.
Protein change: p.Arg2703Cys; replaces arginine 2703 with cysteine.
Molecular consequence: missense variant.
Genome position (GRCh38, 1-based): chr11:17,641,008, C>T. VCF-style: chr11-17641008-C-T. GRCh37 (hg19) VCF-style: chr11-17662555-C-T.
Other names: c.8143C>T, p.Arg2715Cys (NM_001277269.2); short protein forms R2703C, R2715C.
Identifiers: ClinVar variation 2171540 (VCV002171540.4), dbSNP rs756536271, ClinGen allele CA5906226.